The following is an entry in ClinVar:

ClinVar aggregate classification (germline): Uncertain significance (1 of 4 stars; one submission).

Conditions:
Cardiomyopathy (CMYO). Also called: Cardiomyopathies. Identifiers: Orphanet 167848, MedGen C0878544, MONDO:0004994, HP:0001638. Inheritance: Various modes of inheritance.

Allele frequency attached by ClinVar (database versions not stated): gnomAD exomes below 0.00001.
gnomAD v4.1: 1 of 1,614,102 alleles (0.000062%); highest among the groups gnomAD compares: Non-Finnish European, 0.000085%; no homozygotes.

Submission:

All of Us Research Program, National Institutes of Health
Classification: Uncertain significance for Cardiomyopathy. Last evaluated: 2024-01-11. Review status: criteria provided, single submitter. Criteria: ACMG Guidelines, 2015. Collection method: clinical testing. Allele origin: germline. Inheritance: Autosomal dominant inheritance. Observed: 2 variant alleles, 2 heterozygotes.
Comment: This missense variant replaces leucine with proline at codon 992 of the MYH7 protein. Computational prediction suggests that this variant may have deleterious impact on protein structure and function (internally defined REVEL score threshold >= 0.7, PMID: 27666373). To our knowledge, functional studies have not been reported for this variant. This variant has not been reported in individuals affected with MYH7-related disorders in the literature. This variant has not been identified in the general population by the Genome Aggregation Database (gnomAD). The available evidence is insufficient to determine the role of this variant in disease conclusively. Therefore, this variant is classified as a Variant of Uncertain Significance.

This study involves interpretation of variants in research participants for the purpose of population health screening. Participant phenotype was not available at the time of variant classification. Additional details can be found in publication PMID: 35346344, PMCID: PMC8962531

NM_000257.4(MYH7):c.2975T>C (p.Leu992Pro)

Gene: MYH7 (myosin heavy chain 7; minus strand). Cytogenetic location: 14q11.2.
Variant type: single nucleotide variant.
Coding change: c.2975T>C on transcript NM_000257.4 (MANE Select); coding-DNA position 2975, T replaced by C.
Protein change: p.Leu992Pro; replaces leucine 992 with proline.
Molecular consequence: missense variant.
Genome position (GRCh38, 1-based): chr14:23,423,671, A>G on the plus strand (T>C on the coding strand, the complement: MYH7 is on the minus strand). VCF-style: chr14-23423671-A-G. GRCh37 (hg19) VCF-style: chr14-23892880-A-G.
Other names: c.2975T>C, p.Leu992Pro (NM_001407004.1); short protein forms L992P.
Identifiers: ClinVar variation 3073494 (VCV003073494.1), dbSNP rs2502278091, ClinGen allele CA389046364.